The following is an entry in ClinVar:

ClinVar aggregate classification (germline): Uncertain significance (1 of 4 stars; one submission).

Conditions:
Rhabdoid tumor predisposition syndrome 2 (RTPS2). Identifiers: Orphanet 231108, Orphanet 69077, MedGen C2750074, MONDO:0013224, OMIM 613325.

Submission:

Labcorp Genetics (formerly Invitae), Labcorp
Classification: Uncertain significance for Rhabdoid tumor predisposition syndrome 2. Last evaluated: 2021-03-18. Review status: criteria provided, single submitter. Criteria: Invitae Variant Classification Sherloc (09022015). Collection method: clinical testing. Allele origin: germline.
Comment: In summary, the available evidence is currently insufficient to determine the role of this variant in disease. Therefore, it has been classified as a Variant of Uncertain Significance. Algorithms developed to predict the effect of missense changes on protein structure and function (SIFT, PolyPhen-2, Align-GVGD) all suggest that this variant is likely to be disruptive, but these predictions have not been confirmed by published functional studies and their clinical significance is uncertain. This variant has not been reported in the literature in individuals with SMARCA4-related conditions. This variant is not present in population databases (ExAC no frequency). This sequence change replaces aspartic acid with alanine at codon 1581 of the SMARCA4 protein (p.Asp1581Ala). The aspartic acid residue is highly conserved and there is a moderate physicochemical difference between aspartic acid and alanine.

NM_003072.5(SMARCA4):c.4646A>C (p.Asp1549Ala)

Gene: SMARCA4 (SWI/SNF related BAF chromatin remodeling complex subunit ATPase 4; plus strand). Cytogenetic location: 19p13.2.
Variant type: single nucleotide variant.
Coding change: c.4646A>C on transcript NM_003072.5 (MANE Select); coding-DNA position 4646, A replaced by C.
Protein change: p.Asp1549Ala; replaces aspartic acid 1549 with alanine.
Molecular consequence: missense variant. On other transcripts: non-coding transcript variant (1).
Genome position (GRCh38, 1-based): chr19:11,059,763, A>C. VCF-style: chr19-11059763-A-C. GRCh37 (hg19) VCF-style: chr19-11170439-A-C.
Other names: c.4646A>C, p.Asp1549Ala (NM_001128844.3); c.4556A>C, p.Asp1519Ala (NM_001128845.2); c.4553A>C, p.Asp1518Ala (NM_001128846.2); c.4547A>C, p.Asp1516Ala (NM_001128847.4, NM_001374457.1); c.4544A>C, p.Asp1515Ala (NM_001128848.2); c.4742A>C, p.Asp1581Ala (NM_001128849.3, NM_001387283.1); short protein forms D1549A, D1515A, D1516A, D1518A, D1519A, D1581A.
Identifiers: ClinVar variation 1517455 (VCV001517455.8), dbSNP rs2147113068, ClinGen allele CA404079189.